The following is an entry in ClinVar:

ClinVar aggregate classification (germline): Uncertain significance. Review status: criteria provided, multiple submitters, no conflicts (2 of 4 stars). 3 submissions from 3 submitters: Uncertain significance (3). Last evaluated 2022-07-03.

Allele frequency attached by ClinVar (database versions not stated): gnomAD exomes 0.00005 and 0.00011; ExAC 0.00013; TOPMed 0.00036; ESP Exome Variant Server 0.00038; gnomAD 0.00042 and 0.00045.
gnomAD v4.1: 137 of 1,613,674 alleles (0.0085%); highest among the groups gnomAD compares: African/African-American, 0.11%; no homozygotes.

Submissions (3):

Labcorp Genetics (formerly Invitae), Labcorp
Classification: Uncertain significance. Last evaluated: 2022-07-03. Review status: criteria provided, single submitter. Criteria: Invitae Variant Classification Sherloc (09022015). Collection method: clinical testing. Allele origin: germline.
Comment: In summary, the available evidence is currently insufficient to determine the role of this variant in disease. Therefore, it has been classified as a Variant of Uncertain Significance. Algorithms developed to predict the effect of missense changes on protein structure and function output the following: SIFT: "Tolerated"; PolyPhen-2: "Benign"; Align-GVGD: "Class C0". The threonine amino acid residue is found in multiple mammalian species, which suggests that this missense change does not adversely affect protein function. ClinVar contains an entry for this variant (Variation ID: 1311774). This variant has not been reported in the literature in individuals affected with ERCC1-related conditions. This variant is present in population databases (rs144868115, gnomAD 0.1%). This sequence change replaces alanine, which is neutral and non-polar, with threonine, which is neutral and polar, at codon 265 of the ERCC1 protein (p.Ala265Thr).

GeneDx
Classification: Uncertain significance. Last evaluated: 2022-02-07. Review status: criteria provided, single submitter. Criteria: GeneDx Variant Classification Process June 2021. Collection method: clinical testing. Allele origin: germline. Affected: yes.
Comment: In silico analysis, which includes protein predictors and evolutionary conservation, supports that this variant does not alter protein structure/function; Has not been previously published as pathogenic or benign to our knowledge; This variant is associated with the following publications: (PMID: 24158589)

Institute for Clinical Genetics, University Hospital TU Dresden, University Hospital TU Dresden
Classification: Uncertain significance. Last evaluated: 2021-11-03. Review status: criteria provided, single submitter. Criteria: ACMG Guidelines, 2015. Collection method: clinical testing. Allele origin: germline.

NM_001983.4(ERCC1):c.793G>A (p.Ala265Thr)

Gene: ERCC1 (ERCC excision repair 1, endonuclease non-catalytic subunit; minus strand). Cytogenetic location: 19q13.32.
Variant type: single nucleotide variant.
Coding change: c.793G>A on transcript NM_001983.4 (MANE Select); coding-DNA position 793, G replaced by A.
Protein change: p.Ala265Thr; replaces alanine 265 with threonine.
Molecular consequence: missense variant.
Genome position (GRCh38, 1-based): chr19:45,413,727, C>T on the plus strand (G>A on the coding strand, the complement: ERCC1 is on the minus strand). VCF-style: chr19-45413727-C-T. GRCh37 (hg19) VCF-style: chr19-45916985-C-T.
Other names: c.721G>A, p.Ala241Thr (NM_001166049.2, NM_001369410.1, NM_001369411.1 and 3 more transcripts); c.793G>A, p.Ala265Thr (NM_001369408.1, NM_001369409.1, NM_001369412.1 and 5 more transcripts); short protein forms A241T, A265T.
Identifiers: ClinVar variation 1311774 (VCV001311774.9), dbSNP rs144868115, ClinGen allele CA9515282.